The following is an entry in ClinVar:

NM_007294.4(BRCA1):c.2211_2212del (p.Thr737_Val738insTer)

Gene: BRCA1 (BRCA1 DNA repair associated; minus strand). Cytogenetic location: 17q21.31.
Variant type: Deletion.
Coding change: c.2211_2212del on transcript NM_007294.4 (MANE Select); coding-DNA positions 2211 to 2212, 2 bases deleted (AG; older notation c.2211_2212delAG).
Protein change: p.Thr737_Val738insTer.
Molecular consequence: frameshift variant. On other transcripts: intron variant (137).
Genome position (GRCh38, 1-based): chr17:43,093,319-43,093,320, CT deleted on the plus strand (AG on the coding strand, the reverse complement: BRCA1 is on the minus strand). VCF-style (leftmost placement, unchanged base first): chr17-43093318-ACT-A. GRCh37 (hg19) VCF-style: chr17-41245335-ACT-A.
Other names: c.706+1424_706+1425del (NM_001408416.1, NM_001408413.1); c.577+1424_577+1425del (NM_001408484.1, NM_001408478.1, NM_001408514.1 and 9 more transcripts); c.661+1424_661+1425del (NM_001408450.1, NM_001408434.1, NM_001408447.1 and 6 more transcripts); c.784+1424_784+1425del (NM_001408398.1, NM_001407992.1, NM_001408400.1 and 13 more transcripts); c.664+1424_664+1425del (NM_001408440.1, NM_001408428.1, NM_001408441.1 and 12 more transcripts); c.671-2288_671-2287del (NM_001408418.1, NM_001408423.1, NM_001408420.1 and 2 more transcripts); c.787+1424_787+1425del (NM_001407981.1, NM_007298.4, NM_001407978.1 and 17 more transcripts); c.643+1424_643+1425del (NM_001408462.1, NM_001408470.1, NM_001408464.1 and 3 more transcripts); and 41 more.
Identifiers: ClinVar variation 54501 (VCV000054501.3), dbSNP rs397508950, ClinGen allele CA001479.

ClinVar aggregate classification (germline): Pathogenic. Review status: reviewed by expert panel (3 of 4 stars). 2 submissions from 2 submitters: Pathogenic (1). 1 of the submissions does not count toward it. Last evaluated 2017-12-15.

Conditions:
Breast-ovarian cancer, familial, susceptibility to, 1 (BROVCA1). Also called: OVARIAN CANCER, SUSCEPTIBILITY TO; BRCA1 Hereditary Breast and Ovarian Cancer. Identifiers: Orphanet 145, MedGen C2676676, MONDO:0011450, OMIM 604370. Disease mechanism: loss of function.
Familial cancer of breast. Also called: Hereditary breast cancer; hereditary breast carcinoma; BREAST CANCER, FAMILIAL. Identifiers: Orphanet 227535, MedGen C0346153, MONDO:0016419, OMIM 114480. Disease mechanism: loss of function.

Submissions (2):

Evidence-based Network for the Interpretation of Germline Mutant Alleles (ENIGMA)
Classification: Pathogenic for Breast-ovarian cancer, familial, susceptibility to, 1. Last evaluated: 2017-12-15. Review status: reviewed by expert panel. Criteria: ENIGMA BRCA1/2 Classification Criteria (2017-06-29). Collection method: curation. Allele origin: germline. Study: ENIGMA.
Comment: Variant allele predicted to encode a truncated non-functional protein.

ClinVar Staff, National Center for Biotechnology Information (NCBI)
No classification provided. Condition: Familial cancer of breast. Review status: no classification provided. Collection method: literature only. Allele origin: germline. Affected: yes. Not counted in ClinVar's aggregate classification.

Literature cited by the submitters: PubMed 11733976 (cited by ClinVar Staff, National Center for Biotechnology Information (NCBI)).